The following is an entry in ClinVar:

ClinVar aggregate classification (germline): Benign/Likely benign. Review status: criteria provided, multiple submitters, no conflicts (2 of 4 stars). 2 submissions from 2 submitters: Benign (1); Likely benign (1). Last evaluated 2025-02-18.

Conditions:
Breast-ovarian cancer, familial, susceptibility to, 3. Also called: RAD51C-Related Breast/Ovarian Cancer. Identifiers: Orphanet 145, MedGen C3150659, MONDO:0013253, OMIM 613399.

Submissions (2):

Myriad Genetics, Inc.
Classification: Benign for Breast-ovarian cancer, familial, susceptibility to, 3. Last evaluated: 2025-02-18. Review status: criteria provided, single submitter. Criteria: Myriad Autosomal Dominant, Autosomal Recessive and X-Linked Classification Criteria (2023). Collection method: clinical testing. Allele origin: unknown.
Comment: This variant is considered benign. This variant is intronic and is not expected to impact mRNA splicing.

GeneDx
Classification: Likely benign. Last evaluated: 2016-06-20. Review status: criteria provided, single submitter. Criteria: GeneDx Variant Classification (06012015). Collection method: clinical testing. Allele origin: germline. Affected: yes.
Comment: This variant is considered likely benign or benign based on one or more of the following criteria: it is a conservative change, it occurs at a poorly conserved position in the protein, it is predicted to be benign by multiple in silico algorithms, and/or has population frequency not consistent with disease.

NM_058216.3(RAD51C):c.405-21_405-18del

Gene: RAD51C (RAD51 paralog C; plus strand). Cytogenetic location: 17q22.
Variant type: Microsatellite.
Coding change: c.405-21_405-18del on transcript NM_058216.3 (MANE Select); 21 bases into the intron before coding-DNA position 405 through 18 bases into the intron before coding-DNA position 405, 4 bases deleted (TTGT; older notation c.405-21_405-18delTTGT).
Molecular consequence: intron variant.
Genome position (GRCh38, 1-based): chr17:58,696,672-58,696,675, TTGT deleted; deleting any 4 consecutive bases within chr17:58,696,668-58,696,675 gives the same sequence; the c. name uses the placement nearest the transcript's 3' end. VCF-style (leftmost placement, unchanged base first): chr17-58696667-GTTGT-G. GRCh37 (hg19) VCF-style: chr17-56774028-GTTGT-G.
Other names: c.405-21_405-18delTTGT (NM_058216.1).
Identifiers: ClinVar variation 421482 (VCV000421482.2), dbSNP rs1064795169, ClinGen allele CA16620495.
Genomic context (GRCh38, chr17:58,696,667, plus strand): 5'-TACCTAACTTGTCATTATCTGGAGTTCAAAAACACTACCTTAGATCATCATCATGATTTG[GTTGT>G]TTGTCATCTTTCTGTTGACAGTATGCAGTTGGCAGTAGATGTGCAGATACCAGAATGTTT-3'